The following is an entry in ClinVar:

NM_014252.4(SLC25A15):c.-32C>T

Gene: SLC25A15 (solute carrier family 25 member 15; plus strand). Cytogenetic location: 13q14.11.
Variant type: single nucleotide variant.
Coding change: c.-32C>T on transcript NM_014252.4 (MANE Select); 32 bases upstream of the start codon, C replaced by T.
Molecular consequence: 5 prime UTR variant.
Genome position (GRCh38, 1-based): chr13:40,793,195, C>T. VCF-style: chr13-40793195-C-T. GRCh37 (hg19) VCF-style: chr13-41367331-C-T.
Identifiers: ClinVar variation 387766 (VCV000387766.1), dbSNP rs368684475, ClinGen allele CA6959580.

ClinVar aggregate classification (germline): Likely benign (1 of 4 stars; one submission).

Allele frequency attached by ClinVar (database versions not stated): gnomAD 0.00007; ExAC 0.00008; ESP Exome Variant Server 0.00008; gnomAD exomes 0.00008 and 0.00017; TOPMed 0.00009.

Submission:

GeneDx
Classification: Likely benign. Last evaluated: 2016-07-29. Review status: criteria provided, single submitter. Criteria: GeneDx Variant Classification (06012015). Collection method: clinical testing. Allele origin: germline. Affected: yes.
Comment: This variant is considered likely benign or benign based on one or more of the following criteria: it is a conservative change, it occurs at a poorly conserved position in the protein, it is predicted to be benign by multiple in silico algorithms, and/or has population frequency not consistent with disease.